The following is an entry in ClinVar:

NM_001303256.3(MORC2):c.988G>A (p.Val330Met)

Gene: MORC2 (MORC family CW-type zinc finger 2; minus strand). Cytogenetic location: 22q12.2.
Variant type: single nucleotide variant.
Coding change: c.988G>A on transcript NM_001303256.3 (MANE Select); coding-DNA position 988, G replaced by A.
Protein change: p.Val330Met; replaces valine 330 with methionine.
Molecular consequence: missense variant.
Genome position (GRCh38, 1-based): chr22:30,939,706, C>T on the plus strand (G>A on the coding strand, the complement: MORC2 is on the minus strand). VCF-style: chr22-30939706-C-T. GRCh37 (hg19) VCF-style: chr22-31335693-C-T.
Other names: c.988G>A, p.Val330Met (NM_001303257.2); c.802G>A, p.Val268Met (NM_014941.3); short protein forms V268M, V330M.
Identifiers: ClinVar variation 1462869 (VCV001462869.8), dbSNP rs1390155636, ClinGen allele CA411239902.
Genomic context (GRCh38, chr22:30,939,706, plus strand): 5'-TCTTGACATCGGCTTCTCTGCGCAGAGTGATGGCTCTGTTCTGGACCTGTCGCAACATCA[C>T]CTGCACACATTGACATCAGGTGAGGGGAGGTGGCACTCTAGGCCACAGCAGGGAATATTG-3'
Protein context (NP_001290185.1, residues 320-340): LGGDLTRDSR[Val330Met]MLRQVQNRAI

ClinVar aggregate classification (germline): Uncertain significance. Review status: criteria provided, multiple submitters, no conflicts (2 of 4 stars). 2 submissions from 2 submitters: Uncertain significance (2). Last evaluated 2020-12-08.

Conditions:
Inborn genetic diseases. Identifiers: MedGen C0950123, MeSH D030342.
Charcot-Marie-Tooth disease axonal type 2Z. Also called: CHARCOT-MARIE-TOOTH DISEASE, AXONAL, AUTOSOMAL DOMINANT, TYPE 2Z; CHARCOT-MARIE-TOOTH NEUROPATHY, TYPE 2Z. Identifiers: Orphanet 466768, MedGen C5569025, MONDO:0014736, OMIM 616688.

gnomAD v4.1: 5 of 1,613,832 alleles (0.00031%); highest among the groups gnomAD compares: South Asian, 0.0011%; no homozygotes.

Submissions (2):

Labcorp Genetics (formerly Invitae), Labcorp
Classification: Uncertain significance for Charcot-Marie-Tooth disease axonal type 2Z. Last evaluated: 2020-12-08. Review status: criteria provided, single submitter. Criteria: Invitae Variant Classification Sherloc (09022015). Collection method: clinical testing. Allele origin: germline.
Comment: This sequence change replaces valine with methionine at codon 330 of the MORC2 protein (p.Val330Met). The valine residue is weakly conserved and there is a small physicochemical difference between valine and methionine. This variant is not present in population databases (ExAC no frequency). In summary, the available evidence is currently insufficient to determine the role of this variant in disease. Therefore, it has been classified as a Variant of Uncertain Significance. Algorithms developed to predict the effect of missense changes on protein structure and function are either unavailable or do not agree on the potential impact of this missense change (SIFT: "Not Available"; PolyPhen-2: "Benign"; Align-GVGD: "Not Available"). This variant has not been reported in the literature in individuals with MORC2-related conditions.

Ambry Genetics
Classification: Uncertain significance for Inborn genetic diseases. Last evaluated: 2020-12-01. Review status: criteria provided, single submitter. Criteria: Ambry Variant Classification Scheme 2023. Collection method: clinical testing. Allele origin: germline.
Comment: The p.V330M variant (also known as c.988G>A) is located in coding exon 12 of the MORC2 gene. The valine at codon 330 is replaced by methionine, an amino acid with highly similar properties. This change occurs in the first base pair of coding exon 12. This amino acid position is well conserved in available vertebrate species. In addition, this alteration is predicted to be tolerated by in silico analysis. Since supporting evidence is limited at this time, the clinical significance of this alteration remains unclear.